The following is an entry in ClinVar:

ClinVar aggregate classification (germline): Uncertain significance (1 of 4 stars; one submission).

Submission:

Ambry Genetics
Classification: Uncertain significance. Last evaluated: 2025-07-15. Review status: criteria provided, single submitter. Criteria: Ambry Variant Classification Scheme 2023. Collection method: clinical testing. Allele origin: germline.
Comment: The p.I423V variant (also known as c.1267A>G), located in coding exon 10 of the RECQL gene, results from an A to G substitution at nucleotide position 1267. The isoleucine at codon 423 is replaced by valine, an amino acid with highly similar properties. This amino acid position is conserved. In addition, this alteration is predicted to be tolerated by in silico analysis. Based on the available evidence, the clinical significance of this variant remains unclear.

NM_002907.4(RECQL):c.1267A>G (p.Ile423Val)

Gene: RECQL (RecQ like helicase; minus strand). Cytogenetic location: 12p12.1.
Variant type: single nucleotide variant.
Coding change: c.1267A>G on transcript NM_002907.4 (MANE Select); coding-DNA position 1267, A replaced by G.
Protein change: p.Ile423Val; replaces isoleucine 423 with valine.
Molecular consequence: missense variant.
Genome position (GRCh38, 1-based): chr12:21,474,929, T>C on the plus strand (A>G on the coding strand, the complement: RECQL is on the minus strand). VCF-style: chr12-21474929-T-C. GRCh37 (hg19) VCF-style: chr12-21627863-T-C.
Other names: c.1267A>G, p.Ile423Val (NM_032941.3); short protein forms I423V.
Identifiers: ClinVar variation 4152315 (VCV004152315.1).